The following is an entry in ClinVar:

ClinVar aggregate classification (germline): Uncertain significance (1 of 4 stars; one submission).

Conditions:
Arthrogryposis, distal, type 1A. Also called: ARTHROGRYPOSIS MULTIPLEX CONGENITA, DISTAL, TYPE I. Identifiers: Orphanet 1146, MedGen C6022280, MONDO:0007157, OMIM 108120.

Submission:

Labcorp Genetics (formerly Invitae), Labcorp
Classification: Uncertain significance for Arthrogryposis, distal, type 1A. Last evaluated: 2022-09-08. Review status: criteria provided, single submitter. Criteria: Invitae Variant Classification Sherloc (09022015). Collection method: clinical testing. Allele origin: germline.
Comment: This variant has not been reported in the literature in individuals affected with TPM2-related conditions. In summary, the available evidence is currently insufficient to determine the role of this variant in disease. Therefore, it has been classified as a Variant of Uncertain Significance. Algorithms developed to predict the effect of missense changes on protein structure and function (SIFT, PolyPhen-2, Align-GVGD) all suggest that this variant is likely to be tolerated. This variant is not present in population databases (gnomAD no frequency). This sequence change replaces tyrosine, which is neutral and polar, with histidine, which is basic and polar, at codon 261 of the TPM2 protein (p.Tyr261His).

NM_003289.4(TPM2):c.781T>C (p.Tyr261His)

Gene: TPM2 (tropomyosin 2; minus strand). Cytogenetic location: 9p13.3.
Variant type: single nucleotide variant.
Coding change: c.781T>C on transcript NM_003289.4 (MANE Select); coding-DNA position 781, T replaced by C.
Protein change: p.Tyr261His; replaces tyrosine 261 with histidine.
Molecular consequence: missense variant. On other transcripts: intron variant (2).
Genome position (GRCh38, 1-based): chr9:35,683,233, A>G on the plus strand (T>C on the coding strand, the complement: TPM2 is on the minus strand). VCF-style: chr9-35683233-A-G. GRCh37 (hg19) VCF-style: chr9-35683230-A-G.
Other names: c.781T>C, p.Tyr261His (NM_001301227.2); c.772+1013T>C (NM_213674.1, NM_001301226.2); short protein forms Y261H.
Identifiers: ClinVar variation 1995192 (VCV001995192.4), dbSNP rs2490670727, ClinGen allele CA373363232.